The following is an entry in ClinVar:

ClinVar aggregate classification (germline): Conflicting classifications of pathogenicity. Review status: criteria provided, conflicting classifications (1 of 4 stars). 9 submissions from 9 submitters: Uncertain significance (7); Likely benign (1). 1 of the submissions does not count toward it. Last evaluated 2025-10-30.

Conditions:
BRCA2-related disorder. Also called: BRCA2-related condition; BRCA2-related disorders. Identifiers: MedGen CN239275.
Hereditary cancer-predisposing syndrome. Also called: Tumor predisposition; Neoplastic Syndromes, Hereditary; Hereditary neoplastic syndrome; Hereditary Cancer Syndrome. Identifiers: Orphanet 140162, MedGen C0027672, MeSH D009386, MONDO:0015356.
Hereditary breast ovarian cancer syndrome. Also called: Hereditary breast and ovarian cancer; Hereditary breast and ovarian cancer syndrome (HBOC); Hereditary breast and/or ovarian cancer syndrome; Breast and ovarian cancer; Hereditary breast and ovarian cancer syndrome; BRCA1- and BRCA2-Associated Hereditary Breast and Ovarian Cancer. Identifiers: Orphanet 145, MedGen C0677776, MeSH D061325, MONDO:0003582. Disease mechanism: loss of function.
Breast-ovarian cancer, familial, susceptibility to, 2 (BROVCA2). Also called: BRCA2 Hereditary Breast and Ovarian Cancer. Identifiers: Orphanet 145, MedGen C2675520, MONDO:0012933, OMIM 612555. Disease mechanism: loss of function.

gnomAD v4.1: 6 of 1,613,996 alleles (0.00037%); highest among the groups gnomAD compares: Non-Finnish European, 0.00034%; no homozygotes.

Submissions (9):

Women's Health and Genetics/Laboratory Corporation of America, LabCorp
Classification: Uncertain significance. Last evaluated: 2025-10-30. Review status: criteria provided, single submitter. Criteria: LabCorp Variant Classification Summary - May 2015. Collection method: clinical testing. Allele origin: germline.
Comment: Variant summary: BRCA2 c.5945G>C (p.Ser1982Thr) results in a conservative amino acid change in the encoded protein sequence. Algorithms developed to predict the effect of missense changes on protein structure and function are either unavailable or do not agree on the potential impact of this missense change. The variant was absent in 250700 control chromosomes. The available data on variant occurrences in the general population are insufficient to allow any conclusion about variant significance. c.5945G>C has been observed in individuals affected with Hereditary Breast And Ovarian Cancer, without strong evidence for causality (example: Chenevix-Trench_2006, Morgan_2010, Schenkel_2016). These reports do not provide unequivocal conclusions about association of the variant with Hereditary Breast And Ovarian Cancer Syndrome. The variant has been observed to co-occur with the pathogenic variant BRCA2 c.4163_4164delCTinsA in at least 10 individuals (3 internal specimens, 7 BIC individuals) providing supporting evidence for a benign role. To our knowledge, no experimental evidence demonstrating an impact on protein function has been reported. The following publications have been ascertained in the context of this evaluation (PMID: 16489001, 21702907, 18724707, 20167696, 20127978, 27376475). ClinVar contains an entry for this variant (Variation ID: 38010). Based on the evidence outlined above, the variant was classified as VUS-possibly benign.

Labcorp Genetics (formerly Invitae), Labcorp
Classification: Uncertain significance for Hereditary breast ovarian cancer syndrome. Last evaluated: 2025-10-13. Review status: criteria provided, single submitter. Criteria: Invitae Variant Classification Sherloc (09022015). Collection method: clinical testing. Allele origin: germline.
Comment: This sequence change replaces serine, which is neutral and polar, with threonine, which is neutral and polar, at codon 1982 of the BRCA2 protein (p.Ser1982Thr). This variant is not present in population databases (gnomAD no frequency). This missense change has been observed in individual(s) with breast and/or ovarian cancer (PMID: 20127978). ClinVar contains an entry for this variant (Variation ID: 38010). Invitae Evidence Modeling of protein sequence and biophysical properties (such as structural, functional, and spatial information, amino acid conservation, physicochemical variation, residue mobility, and thermodynamic stability) indicates that this missense variant is not expected to disrupt BRCA2 protein function with a negative predictive value of 95%. In summary, the available evidence is currently insufficient to determine the role of this variant in disease. Therefore, it has been classified as a Variant of Uncertain Significance.

Color Diagnostics, LLC DBA Color Health
Classification: Uncertain significance for Hereditary cancer-predisposing syndrome. Last evaluated: 2024-03-25. Review status: criteria provided, single submitter. Criteria: ACMG Guidelines, 2015. Collection method: clinical testing. Allele origin: germline.
Comment: This missense variant replaces serine with threonine at codon 1982 of the BRCA2 protein. Computational prediction is inconclusive regarding the impact of this variant on protein structure and function. To our knowledge, functional studies have not been reported for this variant. This variant has been reported in multiple individuals and families affected with breast cancer, some of whom also have a pathogenic BRCA2 covariant (PMID: 16489001, 20127978, 33471991; Leiden Open Variation Database DB-ID BRCA2_003716, kConFab database, Color internal data). This variant has not been identified in the general population by the Genome Aggregation Database (gnomAD). The available evidence is insufficient to determine the role of this variant in disease conclusively. Therefore, this variant is classified as a Variant of Uncertain Significance.

Quest Diagnostics Nichols Institute San Juan Capistrano
Classification: Uncertain significance. Last evaluated: 2023-12-14. Review status: criteria provided, single submitter. Criteria: Quest Diagnostics criteria. Collection method: clinical testing. Allele origin: unknown.
Comment: The BRCA2 c.5945G>C (p.Ser1982Thr) variant has been reported in the published literature in individuals with breast cancer (PMIDs: 33471991 (2021), 20127978 (2010), 16489001 (2006), see also LOVD). Additionally, the variant described to be located in a region of the BRCA2 gene that is tolerant to missense sequence changes (PMID: 31911673 (2020)). This variant has not been reported in large, multi-ethnic general populations (Genome Aggregation Database). Analysis of this variant using bioinformatics tools for the prediction of the effect of amino acid changes on protein structure and function yielded conflicting predictions that this variant is benign or damaging. Based on the available information, we are unable to determine the clinical significance of this variant.

Ambry Genetics
Classification: Uncertain significance for Hereditary cancer-predisposing syndrome. Last evaluated: 2023-12-08. Review status: criteria provided, single submitter. Criteria: Ambry Variant Classification Scheme 2023. Collection method: clinical testing. Allele origin: germline.
Comment: The p.S1982T variant (also known as c.5945G>C), located in coding exon 10 of the BRCA2 gene, results from a G to C substitution at nucleotide position 5945. The serine at codon 1982 is replaced by threonine, an amino acid with similar properties. This amino acid position is well conserved in available vertebrate species. In addition, the in silico prediction for this alteration is inconclusive. Since supporting evidence is limited at this time, the clinical significance of this alteration remains unclear.

GeneDx
Classification: Uncertain significance. Last evaluated: 2023-06-13. Review status: criteria provided, single submitter. Criteria: GeneDx Variant Classification Process June 2021. Collection method: clinical testing. Allele origin: germline. Affected: yes.
Comment: Not observed at significant frequency in large population cohorts (gnomAD); In silico analysis supports that this missense variant has a deleterious effect on protein structure/function; Also known as 6173G>C; Observed several times in cis with a known pathogenic BRCA2 variant (Chenevix-Trench et al., 2006) and observed in individuals with familial breast cancer (Morgan et al., 2010; Dorling et al., 2021); This variant is associated with the following publications: (PMID: 21702907, 18724707, 16489001, 20127978, 27376475, 20167696, 29884841, 33471991, 32377563, 9002670, 22193408)

University of Washington Department of Laboratory Medicine, University of Washington
Classification: Likely benign for Hereditary cancer-predisposing syndrome. Last evaluated: 2023-03-23. Review status: criteria provided, single submitter. Criteria: Dines et al. (Genet Med. 2020). Collection method: curation. Allele origin: germline.
Comment: Missense variant in a coldspot region where missense variants are very unlikely to be pathogenic (PMID:31911673).

BRCA2 exon 11 coldspot. Reclassification based on statistical prior probability.

Sema4
Classification: Uncertain significance for Hereditary cancer-predisposing syndrome. Last evaluated: 2021-06-12. Review status: criteria provided, single submitter. Criteria: Sema4 Curation Guidelines. Collection method: curation. Allele origin: germline.
Comment: The BRCA2 c.5945G>C (p.S1982T) variant has been reported in heterozygosity in individuals with or at risk of developing hereditary breast and/or ovarian cancer (PMID: 33471991, 20127978, 27376475). It was not observed in the large and broad cohorts of the Genome Aggregation Database (PMID: 32461654). The variant has been reported in ClinVar (Variation ID: 38010). In silico tools suggest the impact of the variant on protein function is inconclusive, though these predictions have not been confirmed by functional studies. The evidence is insufficient to meet ACMG/AMP criteria for classifying the variant as benign or pathogenic. Thus, the clinical significance of this variant is currently uncertain.

Breast Cancer Information Core (BIC) (BRCA2)
Classification: Uncertain significance for Breast-ovarian cancer, familial 2. Last evaluated: 2002-05-29. Review status: no assertion criteria provided. Collection method: clinical testing. Allele origin: germline. Affected: yes. Observed: 8 variant alleles. Not counted in ClinVar's aggregate classification.

Literature cited by the submitters: PubMed 16489001 (cited by 4 submitters); PubMed 21702907 (cited by Women's Health and Genetics/Laboratory Corporation of America, LabCorp); PubMed 18724707 (cited by 3 submitters); PubMed 20167696 (cited by Women's Health and Genetics/Laboratory Corporation of America, LabCorp); PubMed 20127978 (cited by 6 submitters); PubMed 27376475 (cited by 3 submitters); PubMed 33471991 (cited by 3 submitters); PubMed 31911673 (cited by Quest Diagnostics Nichols Institute San Juan Capistrano); PubMed 29700634 (cited by Quest Diagnostics Nichols Institute San Juan Capistrano).

NM_000059.4(BRCA2):c.5945G>C (p.Ser1982Thr)

Gene: BRCA2 (BRCA2 DNA repair associated; plus strand). Cytogenetic location: 13q13.1.
Variant type: single nucleotide variant.
Coding change: c.5945G>C on transcript NM_000059.4 (MANE Select); coding-DNA position 5945, G replaced by C.
Protein change: p.Ser1982Thr; replaces serine 1982 with threonine.
Molecular consequence: missense variant.
Genome position (GRCh38, 1-based): chr13:32,340,300, G>C. VCF-style: chr13-32340300-G-C. GRCh37 (hg19) VCF-style: chr13-32914437-G-C.
Other names: p.S1982T:AGT>ACT.
Identifiers: ClinVar variation 38010 (VCV000038010.35), dbSNP rs28897738, ClinGen allele CA023396.